The following is an entry in ClinVar:

ClinVar aggregate classification (germline): Uncertain significance (1 of 4 stars; one submission).

Submission:

Labcorp Genetics (formerly Invitae), Labcorp
Classification: Uncertain significance. Last evaluated: 2019-12-24. Review status: criteria provided, single submitter. Criteria: Invitae Variant Classification Sherloc (09022015). Collection method: clinical testing. Allele origin: germline.
Comment: In summary, the available evidence is currently insufficient to determine the role of this variant in disease. Therefore, it has been classified as a Variant of Uncertain Significance. Nucleotide substitutions within the consensus splice site are a relatively common cause of aberrant splicing (PMID: 17576681, 9536098). Algorithms developed to predict the effect of sequence changes on RNA splicing suggest that this variant may disrupt the consensus splice site, but this prediction has not been confirmed by published transcriptional studies. This variant has not been reported in the literature in individuals with MAK-related conditions. This variant is not present in population databases (ExAC no frequency). This sequence change falls in intron 8 of the MAK gene. It does not directly change the encoded amino acid sequence of the MAK protein, but it affects a nucleotide within the consensus splice site of the intron.

Literature cited by the submitters: PubMed 17576681; PubMed 9536098.

NM_001242957.3(MAK):c.1143+6T>A

Gene: MAK (male germ cell associated kinase; minus strand). Cytogenetic location: 6p24.2.
Variant type: single nucleotide variant.
Coding change: c.1143+6T>A on transcript NM_001242957.3 (MANE Select); 6 bases into the intron after coding-DNA position 1143, T replaced by A.
Molecular consequence: intron variant.
Genome position (GRCh38, 1-based): chr6:10,795,992, A>T on the plus strand (T>A on the coding strand, the complement: MAK is on the minus strand). VCF-style: chr6-10795992-A-T. GRCh37 (hg19) VCF-style: chr6-10796225-A-T.
Other names: c.1041+6T>A (NM_001377262.1); c.1143+6T>A (NM_005906.6, NM_001242385.2).
Identifiers: ClinVar variation 837770 (VCV000837770.8), dbSNP rs1394158081, ClinGen allele CA916082805.
Genomic context (GRCh38, chr6:10,795,992, plus strand): 5'-CTCGAAAAAAATCTTAATTGCACGAGTCAAACTATTTCATTGCAAGTGTCATGACTGGCT[A>T]CTCACAGTTGGCATGTTTTTGACGATGCTCGGGAATAGCGTTTGTGGCGGTTTCTCCTGA-3'